The following is an entry in ClinVar:

ClinVar aggregate classification (germline): Uncertain significance. Review status: criteria provided, multiple submitters, no conflicts (2 of 4 stars). 2 submissions from 2 submitters: Uncertain significance (2). Last evaluated 2025-05-29.

Conditions:
Nephronophthisis. Also called: Juvenile Nephronophthisis. Identifiers: Orphanet 655, MedGen C0687120, MONDO:0019005, HP:0000090.
Nephronophthisis 4 (NPHP4). Also called: NEPHRONOPHTHISIS 4, JUVENILE. Identifiers: Orphanet 655, MedGen C1847013, MONDO:0011752, OMIM 606966.
Senior-Loken syndrome 4 (SLSN4). Identifiers: Orphanet 3156, MedGen C1846979, MONDO:0011756, OMIM 606996.

gnomAD v4.1: 1 of 1,611,994 alleles (0.000062%); highest among the groups gnomAD compares: Non-Finnish European, 0.000085%; no homozygotes.

Submissions (2):

Labcorp Genetics (formerly Invitae), Labcorp
Classification: Uncertain significance for Nephronophthisis. Last evaluated: 2025-05-29. Review status: criteria provided, single submitter. Criteria: Invitae Variant Classification Sherloc (09022015). Collection method: clinical testing. Allele origin: germline.
Comment: This sequence change replaces valine, which is neutral and non-polar, with methionine, which is neutral and non-polar, at codon 706 of the NPHP4 protein (p.Val706Met). This variant is not present in population databases (gnomAD no frequency). This variant has not been reported in the literature in individuals affected with NPHP4-related conditions. ClinVar contains an entry for this variant (Variation ID: 1520155). Invitae Evidence Modeling of protein sequence and biophysical properties (such as structural, functional, and spatial information, amino acid conservation, physicochemical variation, residue mobility, and thermodynamic stability) indicates that this missense variant is not expected to disrupt NPHP4 protein function with a negative predictive value of 80%. In summary, the available evidence is currently insufficient to determine the role of this variant in disease. Therefore, it has been classified as a Variant of Uncertain Significance.

Fulgent Genetics
Classification: Uncertain significance for Nephronophthisis 4; Senior-Loken syndrome 4. Last evaluated: 2024-03-22. Review status: criteria provided, single submitter. Criteria: ACMG Guidelines, 2015. Collection method: clinical testing. Allele origin: germline.

NM_015102.5(NPHP4):c.2116G>A (p.Val706Met)

Gene: NPHP4 (nephrocystin 4; minus strand). Cytogenetic location: 1p36.31.
Variant type: single nucleotide variant.
Coding change: c.2116G>A on transcript NM_015102.5 (MANE Select); coding-DNA position 2116, G replaced by A.
Protein change: p.Val706Met; replaces valine 706 with methionine.
Molecular consequence: missense variant. On other transcripts: non-coding transcript variant (1).
Genome position (GRCh38, 1-based): chr1:5,904,644, C>T on the plus strand (G>A on the coding strand, the complement: NPHP4 is on the minus strand). VCF-style: chr1-5904644-C-T. GRCh37 (hg19) VCF-style: chr1-5964704-C-T.
Other names: c.577G>A, p.Val193Met (NM_001291593.2); c.580G>A, p.Val194Met (NM_001291594.2); short protein forms V706M, V194M, V193M.
Identifiers: ClinVar variation 1520155 (VCV001520155.7), dbSNP rs755418982, ClinGen allele CA338052979.
Genomic context (GRCh38, chr1:5,904,644, plus strand): 5'-TGTCTTGCCTTTGCCATGCACATGAGTACTCACCAGCATCAAAGGTGCCATCTCTGCTCA[C>T]AGGCACGAGGATGTGGGTCAGGGCGCCAGAGCTGGGCTGGCCGGCCTCATCCAGCTGGAC-3'
Protein context (NP_055917.1, residues 696-716): SGALTHILVP[Val706Met]SRDGTFDAGS